The following is an entry in ClinVar:

ClinVar aggregate classification (germline): Likely pathogenic (3 of 4 stars; one submission).

Conditions:
Open-angle glaucoma. Identifiers: MedGen C0017612, MONDO:0005338, HP:0012108.

Submission:

ClinGen Glaucoma Variant Curation Expert Panel
Classification: Likely pathogenic for Open-angle glaucoma. Last evaluated: 2026-01-12. Review status: reviewed by expert panel. Criteria: ClinGen Glaucoma ACMG Specifications V2.0.0 Approved. Collection method: curation. Allele origin: germline. Inheritance: Autosomal dominant inheritance.
Comment: The c.1313C>T variant in MYOC is a missense variant predicted to cause substitution of Threonine by Isoleucine at amino acid 438 (p.Thr438Ile). This variant was not found in any genetic ancestry group of gnomAD (v4.1.0), meeting the ≤ 0.0001 threshold set for PM2_Supporting in a genetic ancestry group of at least 10,000 alleles. The REVEL score = 0.734, which was within the 0.644-0.772 range for PP3, predicting a damaging effect on MYOC function. There was no functional evidence predicting a damaging or benign impact of this variant on MYOC function. 27 segregations in 4 families, with juvenile or primary open angle glaucoma (JOAG or POAG), have been reported (PMIDs: 12789574, 12872267, 25582056, 34923728), which fulfilled PP1_Strong (≥7 meioses in >1 family). 4 probands with JOAG or POAG have been reported carrying this variant (PMIDs: 12789574, 12872267, 25582056, 34923728), which met PS4_Supporting (≥ 2 probands). In summary, this variant met the criteria to receive a score of 7 and to be classified as likely pathogenic (likely pathogenic classification range 6 to 9, adapted from PMID: 32720330) for juvenile open angle glaucoma based on the ACMG/AMP criteria met, as specified by the ClinGen Glaucoma VCEP (v2.0.0, 5 Dec 2024): PP1_Strong, PP3, PS4_Supporting, PM2_Supporting.

NM_000261.2(MYOC):c.1313C>T (p.Thr438Ile)

Gene: MYOC (myocilin; minus strand). Cytogenetic location: 1q24.3.
Variant type: single nucleotide variant.
Coding change: c.1313C>T on transcript NM_000261.2 (MANE Select); coding-DNA position 1313, C replaced by T.
Protein change: p.Thr438Ile; replaces threonine 438 with isoleucine.
Molecular consequence: missense variant.
Genome position (GRCh38, 1-based): chr1:171,636,127, G>A on the plus strand (C>T on the coding strand, the complement: MYOC is on the minus strand). VCF-style: chr1-171636127-G-A. GRCh37 (hg19) VCF-style: chr1-171605267-G-A.
Other names: NM_000261.2:c.1313C>T; short protein forms T438I.
Identifiers: ClinVar variation 2429757 (VCV002429757.1), dbSNP rs2527838437, ClinGen allele CA343723835.
Genomic context (GRCh38, chr1:171,636,127, plus strand): 5'-CCTGTGCCTGTGTCATAAGCAAAGTTGACGGTAGCATCTGCTGAGGTGTAGCTGCTGACG[G>A]TGTACAAGGTGCCACAGATGATGAAGGCATTGGCGACTGACTGCTTACGGATGTTTGTCT-3'
Protein context (NP_000252.1, residues 428-448): NAFIICGTLY[Thr438Ile]VSSYTSADAT